The following is an entry in ClinVar:

ClinVar aggregate classification (germline): Uncertain significance (1 of 4 stars; one submission).

Allele frequency attached by ClinVar (database versions not stated): gnomAD exomes below 0.00001.
gnomAD v4.1: 2 of 1,612,868 alleles (0.00012%); highest among the groups gnomAD compares: Middle Eastern, 0.033%; no homozygotes.

Submission:

Labcorp Genetics (formerly Invitae), Labcorp
Classification: Uncertain significance. Last evaluated: 2022-07-11. Review status: criteria provided, single submitter. Criteria: Invitae Variant Classification Sherloc (09022015). Collection method: clinical testing. Allele origin: germline.
Comment: In summary, the available evidence is currently insufficient to determine the role of this variant in disease. Therefore, it has been classified as a Variant of Uncertain Significance. Algorithms developed to predict the effect of missense changes on protein structure and function are either unavailable or do not agree on the potential impact of this missense change (SIFT: "Not Available"; PolyPhen-2: "Possibly Damaging"; Align-GVGD: "Not Available"). This variant has not been reported in the literature in individuals affected with C9-related conditions. This variant is not present in population databases (gnomAD no frequency). This sequence change replaces leucine, which is neutral and non-polar, with arginine, which is basic and polar, at codon 440 of the C9 protein (p.Leu440Arg).

NM_001737.5(C9):c.1319T>G (p.Leu440Arg)

Gene: C9 (complement C9; minus strand). Cytogenetic location: 5p13.1.
Variant type: single nucleotide variant.
Coding change: c.1319T>G on transcript NM_001737.5 (MANE Select); coding-DNA position 1319, T replaced by G.
Protein change: p.Leu440Arg; replaces leucine 440 with arginine.
Molecular consequence: missense variant.
Genome position (GRCh38, 1-based): chr5:39,306,714, A>C on the plus strand (T>G on the coding strand, the complement: C9 is on the minus strand). VCF-style: chr5-39306714-A-C. GRCh37 (hg19) VCF-style: chr5-39306816-A-C.
Other names: short protein forms L440R.
Identifiers: ClinVar variation 1978709 (VCV001978709.4), dbSNP rs2479164616, ClinGen allele CA359553115.
Genomic context (GRCh38, chr5:39,306,714, plus strand): 5'-GAGGCCCAGTTGACAAAGTCAGTCACATCAATCACGGTTCCTCGGAGAAGCTTTTCTTTC[A>C]GTTCAAATGCATATTTTCTGGTTCCACCTCTTATGAGTGAAACAACATCATCTATGAGGT-3'
Protein context (NP_001728.1, residues 430-450): RGGTRKYAFE[Leu440Arg]KEKLLRGTVI